The following is an entry in ClinVar:

NM_001204.7(BMPR2):c.2660T>C (p.Leu887Pro)

Gene: BMPR2 (bone morphogenetic protein receptor type 2; plus strand). Cytogenetic location: 2q33.2.
Variant type: single nucleotide variant.
Coding change: c.2660T>C on transcript NM_001204.7 (MANE Select); coding-DNA position 2660, T replaced by C.
Protein change: p.Leu887Pro; replaces leucine 887 with proline.
Molecular consequence: missense variant.
Genome position (GRCh38, 1-based): chr2:202,556,325, T>C. VCF-style: chr2-202556325-T-C. GRCh37 (hg19) VCF-style: chr2-203421048-T-C.
Other names: short protein forms L887P.
Identifiers: ClinVar variation 3376459 (VCV003376459.1).

ClinVar aggregate classification (germline): Uncertain significance (1 of 4 stars; one submission).

Conditions:
Pulmonary hypertension, primary, 1 (PPH1). Also called: Pulmonary hypertension, familial primary, 1, with or without HHT. Identifiers: Orphanet 422, MedGen C4552070, MONDO:0024533, OMIM 178600.

Submission:

Pittsburgh Clinical Genomics Laboratory, University of Pittsburgh Medical Center
Classification: Uncertain significance for Pulmonary hypertension, primary, 1. Last evaluated: 2024-04-26. Review status: criteria provided, single submitter. Criteria: ACMG Guidelines, 2015. Collection method: clinical testing. Allele origin: germline. Inheritance: Autosomal dominant inheritance. Affected: yes.
Comment: This sequence variant is a single nucleotide substitution (T>C) at position 2660 of the coding sequence of the BMPR2 gene that results in a leucine to proline amino acid change at residue 887 of the bone morphogenetic protein receptor type 2 protein. This variant is absent from ClinVar and has not been observed in individuals affected by a BMPR2-related disorder in the published literature, to our knowledge. This variant is absent from the gnomAD v4.0.0 population database (0/~1,461,000 alleles). Bioinformatic tools are inconclusive if this amino acid change will be damaging or tolerated, and the Leu887 residue at this position is highly conserved across the vertebrate species examined. Studies examining the functional consequence of this variant have not been published, to our knowledge. At this time, there is insufficient evidence to determine if this variant is pathogenic or benign. Therefore, we consider this a variant of uncertain significance. ACMG Criteria: PM2